The following is an entry in ClinVar:

NM_000059.4(BRCA2):c.5404C>T (p.Gln1802Ter)

Gene: BRCA2 (BRCA2 DNA repair associated; plus strand). Cytogenetic location: 13q13.1.
Variant type: single nucleotide variant.
Coding change: c.5404C>T on transcript NM_000059.4 (MANE Select); coding-DNA position 5404, C replaced by T.
Protein change: p.Gln1802Ter; replaces glutamine 1802 with a stop codon.
Molecular consequence: nonsense.
Genome position (GRCh38, 1-based): chr13:32,339,759, C>T. VCF-style: chr13-32339759-C-T. GRCh37 (hg19) VCF-style: chr13-32913896-C-T.
Other names: short protein forms Q1802*.
Identifiers: ClinVar variation 51856 (VCV000051856.17), dbSNP rs80358763, ClinGen allele CA022246.

ClinVar aggregate classification (germline): Pathogenic. Review status: reviewed by expert panel (3 of 4 stars). 8 submissions from 8 submitters: Pathogenic (1). 7 of the submissions do not count toward it. Last evaluated 2016-09-08.

Conditions:
Familial cancer of breast. Also called: BREAST CANCER, FAMILIAL; Hereditary breast cancer; hereditary breast carcinoma. Identifiers: Orphanet 227535, MedGen C0346153, MONDO:0016419, OMIM 114480. Disease mechanism: loss of function.
Hereditary breast ovarian cancer syndrome. Also called: Hereditary breast and ovarian cancer syndrome; Hereditary breast and ovarian cancer; Hereditary breast and ovarian cancer syndrome (HBOC); Breast and ovarian cancer; Hereditary breast and/or ovarian cancer syndrome; BRCA1- and BRCA2-Associated Hereditary Breast and Ovarian Cancer. Identifiers: Orphanet 145, MedGen C0677776, MeSH D061325, MONDO:0003582. Disease mechanism: loss of function.
Hereditary cancer-predisposing syndrome. Also called: Neoplastic Syndromes, Hereditary; Tumor predisposition; Hereditary neoplastic syndrome; Hereditary Cancer Syndrome. Identifiers: Orphanet 140162, MedGen C0027672, MeSH D009386, MONDO:0015356.
Breast-ovarian cancer, familial, susceptibility to, 2 (BROVCA2). Also called: BRCA2 Hereditary Breast and Ovarian Cancer. Identifiers: Orphanet 145, MedGen C2675520, MONDO:0012933, OMIM 612555. Disease mechanism: loss of function.

Submissions (8):

Evidence-based Network for the Interpretation of Germline Mutant Alleles (ENIGMA)
Classification: Pathogenic for Breast-ovarian cancer, familial, susceptibility to, 2. Last evaluated: 2016-09-08. Review status: reviewed by expert panel. Criteria: ENIGMA BRCA1/2 Classification Criteria (2015). Collection method: curation. Allele origin: germline.
Comment: Variant allele predicted to encode a truncated non-functional protein.

Ambry Genetics
Classification: Pathogenic for Hereditary cancer-predisposing syndrome. Last evaluated: 2024-05-20. Review status: criteria provided, single submitter. Criteria: Ambry Variant Classification Scheme 2023. Collection method: clinical testing. Allele origin: germline. Not counted in ClinVar's aggregate classification.
Comment: The p.Q1802* pathogenic mutation (also known as c.5404C>T), located in coding exon 10 of the BRCA2 gene, results from a C to T substitution at nucleotide position 5404. This changes the amino acid from a glutamine to a stop codon within coding exon 10. This variant is considered to be rare based on population cohorts in the Genome Aggregation Database (gnomAD). This alteration is expected to result in loss of function by premature protein truncation or nonsense-mediated mRNA decay. As such, this alteration is interpreted as a disease-causing mutation.

Baylor Genetics
Classification: Pathogenic for Familial cancer of breast. Last evaluated: 2023-08-05. Review status: criteria provided, single submitter. Criteria: ACMG Guidelines, 2015. Collection method: clinical testing. Allele origin: unknown. Not counted in ClinVar's aggregate classification.

Color Diagnostics, LLC DBA Color Health
Classification: Pathogenic for Hereditary cancer-predisposing syndrome. Last evaluated: 2021-07-16. Review status: criteria provided, single submitter. Criteria: ACMG Guidelines, 2015. Collection method: clinical testing. Allele origin: germline. Not counted in ClinVar's aggregate classification.
Comment: This variant changes 1 nucleotide in exon 11 of the BRCA2 gene, creating a premature translation stop signal. This variant is expected to result in an absent or non-functional protein product. To our knowledge, this variant has not been reported in individuals affected with hereditary cancer in the literature. This variant has not been identified in the general population by the Genome Aggregation Database (gnomAD). Loss of BRCA2 function is a known mechanism of disease. Based on the available evidence, this variant is classified as Pathogenic.

Sema4
Classification: Pathogenic for Hereditary cancer-predisposing syndrome. Last evaluated: 2021-06-29. Review status: criteria provided, single submitter. Criteria: Sema4 Curation Guidelines. Collection method: curation. Allele origin: germline. Not counted in ClinVar's aggregate classification.
Comment: To the best of our knowledge, the BRCA2 c.5404C>T (p.Q1802X) has not been reported in individuals with BRCA2-related disease. This variant creates a premature stop codon at residue 1802 of the BRCA2 protein. Loss of function variants in BRCA1 or BRCA2 are known to be pathogenic (PMID: 29446198). This variant is not reported in the population database Genome Aggregation Database (PMID: 32461654). This variant has been reported in ClinVar (Variation ID: 51856). Based on the current evidence available, this variant is interpreted as pathogenic.

Labcorp Genetics (formerly Invitae), Labcorp
Classification: Pathogenic for Hereditary breast ovarian cancer syndrome. Last evaluated: 2021-06-04. Review status: criteria provided, single submitter. Criteria: Invitae Variant Classification Sherloc (09022015). Collection method: clinical testing. Allele origin: germline. Not counted in ClinVar's aggregate classification.
Comment: This variant is not present in population databases (ExAC no frequency). This variant has been reported in individuals in the Leiden Open-source Variation Database (PMID: 21520333). ClinVar contains an entry for this variant (Variation ID: 51856). Loss-of-function variants in BRCA2 are known to be pathogenic (PMID: 20104584). For these reasons, this variant has been classified as Pathogenic. This sequence change creates a premature translational stop signal (p.Gln1802*) in the BRCA2 gene. It is expected to result in an absent or disrupted protein product.

Quest Diagnostics Nichols Institute San Juan Capistrano
Classification: Pathogenic for Breast-ovarian cancer, familial, susceptibility to, 2. Last evaluated: 2015-12-08. Review status: criteria provided, single submitter. Criteria: Quest Diagnostics criteria. Collection method: clinical testing. Allele origin: germline. Inheritance: Autosomal dominant inheritance. Not counted in ClinVar's aggregate classification.

Breast Cancer Information Core (BIC) (BRCA2)
Classification: Pathogenic for Breast-ovarian cancer, familial 2. Last evaluated: 2004-02-20. Review status: no assertion criteria provided. Collection method: clinical testing. Allele origin: germline. Affected: yes. Observed: 1 variant allele. Not counted in ClinVar's aggregate classification.

Literature cited by the submitters: PubMed 29446198 (cited by Sema4); PubMed 21520333 (cited by Labcorp Genetics (formerly Invitae), Labcorp); PubMed 20104584 (cited by Labcorp Genetics (formerly Invitae), Labcorp); PubMed 26295337 (cited by Quest Diagnostics Nichols Institute San Juan Capistrano).